The following is an entry in ClinVar:

ClinVar aggregate classification (germline): Benign/Likely benign. Review status: criteria provided, multiple submitters, no conflicts (2 of 4 stars). 2 submissions from 2 submitters: Benign (1); Likely benign (1). Last evaluated 2024-07-31.

Conditions:
Juvenile polyposis syndrome (JPS). Identifiers: Orphanet 2929, MedGen C0345893, MONDO:0017380, OMIM 174900.

Submissions (2):

Myriad Genetics, Inc.
Classification: Benign for Juvenile polyposis syndrome. Last evaluated: 2024-07-31. Review status: criteria provided, single submitter. Criteria: Myriad Autosomal Dominant, Autosomal Recessive and X-Linked Classification Criteria (2023). Collection method: clinical testing. Allele origin: unknown.
Comment: This variant is considered benign. This variant is a silent/synonymous amino acid change and it is not expected to impact splicing.

Labcorp Genetics (formerly Invitae), Labcorp
Classification: Likely benign for Juvenile polyposis syndrome. Last evaluated: 2023-02-25. Review status: criteria provided, single submitter. Criteria: Invitae Variant Classification Sherloc (09022015). Collection method: clinical testing. Allele origin: germline.

NM_004329.3(BMPR1A):c.76C>T (p.Leu26=)

Gene: BMPR1A (bone morphogenetic protein receptor type 1A; plus strand). Cytogenetic location: 10q23.2.
Variant type: single nucleotide variant.
Coding change: c.76C>T on transcript NM_004329.3 (MANE Select); coding-DNA position 76, C replaced by T.
Protein change: p.Leu26=; no amino-acid change (leucine 26 retained).
Molecular consequence: synonymous variant. On other transcripts: 5 prime UTR variant (5), non-coding transcript variant (3).
Genome position (GRCh38, 1-based): chr10:86,890,070, C>T. VCF-style: chr10-86890070-C-T. GRCh37 (hg19) VCF-style: chr10-88649827-C-T.
Other names: c.76C>T, p.Leu26= (NM_001406559.1, NM_001406560.1, NM_001406561.1 and 23 more transcripts); c.-9C>T (NM_001406584.1, NM_001406585.1, NM_001406586.1 and 2 more transcripts).
Identifiers: ClinVar variation 2840866 (VCV002840866.4), dbSNP rs2539429870, ClinGen allele CA470304475.